The following is an entry in ClinVar:

ClinVar aggregate classification (germline): Conflicting classifications of pathogenicity. Review status: criteria provided, conflicting classifications (1 of 4 stars). 2 submissions from 2 submitters: Likely pathogenic (1); Uncertain significance (1). Last evaluated 2025-11-27.

Conditions:
Neuronal ceroid lipofuscinosis 5 (CLN5). Also called: CEROID LIPOFUSCINOSIS, NEURONAL, 5, VARIABLE AGE AT ONSET; Neuronal ceroid lipofuscinosis Finnish variant; NEURONAL CEROID LIPOFUSCINOSIS, LATE INFANTILE, FINNISH VARIANT; CLN5-Related Neuronal Ceroid-Lipofuscinosis. Identifiers: Orphanet 168491, Orphanet 228360, MedGen C1850442, MONDO:0009745, OMIM 256731.

Allele frequency attached by ClinVar (database versions not stated): gnomAD exomes below 0.00001; ExAC 0.00001.

Submissions (2):

Dasa
Classification: Uncertain significance. Last evaluated: 2025-11-27. Review status: criteria provided, single submitter. Criteria: DASA Assertion Criteria. Collection method: clinical testing. Allele origin: germline.
Comment: NM_006493.4(CLN5):c.997C>T (p.Pro333Ser) is a missense variant that results in the substitution of proline with serine. This variant is rare in population databases. Computational prediction algorithms are consistent with a deleterious effect. The currently available literature and clinical evidence are not sufficient to establish a definitive association between this variant and the reported condition. Therefore, this variant is classified as a variant of uncertain significance.

Genomic Medicine Center of Excellence, King Faisal Specialist Hospital and Research Centre
Classification: Likely pathogenic for Neuronal ceroid lipofuscinosis 5. Last evaluated: 2024-04-04. Review status: criteria provided, single submitter. Criteria: ACMG Guidelines, 2015. Collection method: clinical testing. Allele origin: germline.

NM_006493.4(CLN5):c.997C>T (p.Pro333Ser)

Gene: CLN5 (CLN5 lysosomal BMP synthase; plus strand). Cytogenetic location: 13q22.3.
Variant type: single nucleotide variant.
Coding change: c.997C>T on transcript NM_006493.4 (MANE Select); coding-DNA position 997, C replaced by T.
Protein change: p.Pro333Ser; replaces proline 333 with serine.
Molecular consequence: missense variant. On other transcripts: 3 prime UTR variant (1).
Genome position (GRCh38, 1-based): chr13:77,000,889, C>T. VCF-style: chr13-77000889-C-T. GRCh37 (hg19) VCF-style: chr13-77575024-C-T.
Other names: c.*446C>T (NM_001366624.2); short protein forms P333S, P382S.
Identifiers: ClinVar variation 3067848 (VCV003067848.3), dbSNP rs755238050, ClinGen allele CA7007281.